The following is an entry in ClinVar:

ClinVar aggregate classification (germline): Pathogenic. Review status: criteria provided, multiple submitters, no conflicts (2 of 4 stars). 12 submissions from 12 submitters: Pathogenic (11). 1 of the submissions does not count toward it. Last evaluated 2026-09-01.

Conditions:
FAH-related disorders.
Tyrosinemia. Identifiers: MedGen C0268486, MONDO:0004741.
Tyrosinemia type I (TYRSN1). Also called: Tyrosinemia type 1; Fumarylacetoacetase deficiency; Deficiency of fumarylacetoacetase; FAH DEFICIENCY; HEPATORENAL TYROSINEMIA. Identifiers: Orphanet 882, MedGen C0268490, MONDO:0010161, OMIM 276700. Disease mechanism: loss of function.

Allele frequency attached by ClinVar (database versions not stated): gnomAD exomes below 0.00001 and 0.00001; TOPMed 0.00001; gnomAD 0.00003.

Submissions (12):

CeGaT Center for Human Genetics Tuebingen
Classification: Pathogenic. Last evaluated: 2026-09-01. Review status: criteria provided, single submitter. Criteria: CeGaT Center For Human Genetics Tuebingen Variant Classification Criteria Version 2. Collection method: clinical testing. Allele origin: germline. Affected: yes. Observed: 2 variant alleles.
Comment: FAH: PM2, PM3, PP4:Moderate, PS1:Moderate, PVS1:Moderate

Labcorp Genetics (formerly Invitae), Labcorp
Classification: Pathogenic for Tyrosinemia type I. Last evaluated: 2026-01-11. Review status: criteria provided, single submitter. Criteria: Invitae Variant Classification Sherloc (09022015). Collection method: clinical testing. Allele origin: germline.
Comment: This sequence change affects the initiator codon of the FAH mRNA. This change may impact translation initiation or efficiency. The next in-frame methionine is located at codon 71. This variant is present in population databases (no rsID available, gnomAD 0.003%). Disruption of the initiator codon has been observed in individual(s) with tyrosinemia type I (PMID: 21764616, 22802474, 24016420). It has also been observed to segregate with disease in related individuals. ClinVar contains an entry for this variant (Variation ID: 372766). For these reasons, this variant has been classified as Pathogenic.

Natera, Inc.
Classification: Pathogenic for Tyrosinemia type I. Last evaluated: 2025-05-19. Review status: criteria provided, single submitter. Criteria: Natera Variant Classification Schema (03/2026). Collection method: clinical testing. Allele origin: germline.
Comment: The c.1A>G variant in FAH is predicted to result in start loss due to disruption of the initiator methionine. This variant is expected to result in nonsense mediated decay, truncation, or a dysfunctional protein product. This variant is rare in the general population with a frequency below the threshold expected for the associated phenotype(s). This variant has been observed in one or more individuals affected with the associated recessive disease, as either homozygous or compound heterozygous with a second variant (PMID: 21764616). Additionally, this variant has been observed to segregate in affected family members (PMID: 21764616). Given the available evidence, this variant is classified as Pathogenic.

Genomic Medicine Center of Excellence, King Faisal Specialist Hospital and Research Centre
Classification: Pathogenic for Tyrosinemia type I. Last evaluated: 2024-12-19. Review status: criteria provided, single submitter. Criteria: ACMG Guidelines, 2015. Collection method: clinical testing. Allele origin: germline.

Dubai Health Genomic Medicine Center, Dubai Health
Classification: Pathogenic for Tyrosinemia. Last evaluated: 2024-10-04. Review status: criteria provided, single submitter. Criteria: ACMG Guidelines, 2015. Collection method: research. Allele origin: germline. Affected: yes.
Comment: PVS1,PP1,PM2,PM3,PM5,PP4

Fulgent Genetics
Classification: Pathogenic for Tyrosinemia type I. Last evaluated: 2024-06-17. Review status: criteria provided, single submitter. Criteria: ACMG Guidelines, 2015. Collection method: clinical testing. Allele origin: germline.

Laboratory of Medical Genetics, National & Kapodistrian University of Athens
Classification: Pathogenic for Tyrosinemia type I. Last evaluated: 2024-02-01. Review status: criteria provided, single submitter. Criteria: ACMG Guidelines, 2015. Collection method: curation. Allele origin: germline. Affected: no.

Blueprint Genetics
Classification: Pathogenic for FAH-related disorders. Last evaluated: 2023-11-27. Review status: criteria provided, single submitter. Criteria: ACMG Guidelines, 2015. Collection method: clinical testing. Allele origin: germline. Affected: yes. Observed: 3 variant alleles.

Centre of Medical Genetics, University Hospital Muenster
Classification: Pathogenic. Last evaluated: 2023-02-28. Review status: criteria provided, single submitter. Criteria: ACMG Guidelines, 2015. Collection method: clinical testing. Allele origin: unknown. Affected: yes. Observed: 1 variant allele, 1 homozygote.
Comment: ACMG categories: PVS1,PM2,PP5

GeneDx
Classification: Pathogenic. Last evaluated: 2022-12-13. Review status: criteria provided, single submitter. Criteria: GeneDx Variant Classification Process June 2021. Collection method: clinical testing. Allele origin: germline. Affected: yes.
Comment: Initiation codon variant in a gene for which loss-of-function is a known mechanism of disease; Not observed at significant frequency in large population cohorts (gnomAD); This variant is associated with the following publications: (PMID: 24016420, 24516753, 34426522, 31568711, 31300554)

Women's Health and Genetics/Laboratory Corporation of America, LabCorp
Classification: Pathogenic for Tyrosinemia type I. Last evaluated: 2020-09-21. Review status: criteria provided, single submitter. Criteria: LabCorp Variant Classification Summary - May 2015. Collection method: clinical testing. Allele origin: germline.
Comment: Variant summary: FAH c.1A>G (p.Met1Val) alters the initiation codon and is predicted to result either in absence of the protein or truncation of the encoded protein due to translation initiation at a downstream codon. Three of three in-silico tools predict a benign effect of the variant on protein function. The variant allele was found at a frequency of 8e-06 in 250698 control chromosomes (gnomAD). c.1A>G has been reported in the literature in multiple individuals (several of them were homozygous) affected with Tyrosinemia Type 1 (example: Ibarra-Gonzalez_2019, Mohamed_2013, Imtiaz_2011). These data indicate that the variant is very likely to be associated with disease. One publication reports experimental evidence evaluating an impact on protein function, however, does not allow convincing conclusions about the variant effect (Macias_2019). Two ClinVar submitters (evaluation after 2014) cite the variant as pathogenic. Based on the evidence outlined above, the variant was classified as pathogenic.

Counsyl
Classification: Likely pathogenic for Tyrosinemia type I. Last evaluated: 2014-02-06. Review status: no assertion criteria provided. Collection method: clinical testing. Allele origin: unknown. Not counted in ClinVar's aggregate classification.

Literature cited by the submitters: PubMed 21764616 (cited by 3 submitters); PubMed 22802474 (cited by Labcorp Genetics (formerly Invitae), Labcorp and Counsyl); PubMed 24016420 (cited by 3 submitters); PubMed 31568711 (cited by Women's Health and Genetics/Laboratory Corporation of America, LabCorp); PubMed 31300554 (cited by Women's Health and Genetics/Laboratory Corporation of America, LabCorp); PubMed 16521249 (cited by Counsyl).

NM_000137.4(FAH):c.1A>G (p.Met1Val)

Gene: FAH (fumarylacetoacetate hydrolase; plus strand). Cytogenetic location: 15q25.1.
Variant type: single nucleotide variant.
Coding change: c.1A>G on transcript NM_000137.4 (MANE Select); coding-DNA position 1, A replaced by G.
Protein change: p.Met1Val; changes the start codon (methionine 1).
Molecular consequence: missense variant, initiator codon variant.
Genome position (GRCh38, 1-based): chr15:80,153,055, A>G. VCF-style: chr15-80153055-A-G. GRCh37 (hg19) VCF-style: chr15-80445397-A-G.
Other names: c.1A>G, p.Met1Val (NM_001374377.1, NM_001374380.1); short protein forms M1V.
Identifiers: ClinVar variation 372766 (VCV000372766.50), dbSNP rs1057517972, ClinGen allele CA16043027.